The following is an entry in ClinVar:

NM_015346.4(ZFYVE26):c.1237C>G (p.Leu413Val)

Gene: ZFYVE26 (zinc finger FYVE-type containing 26; minus strand). Cytogenetic location: 14q24.1.
Variant type: single nucleotide variant.
Coding change: c.1237C>G on transcript NM_015346.4 (MANE Select); coding-DNA position 1237, C replaced by G.
Protein change: p.Leu413Val; replaces leucine 413 with valine.
Molecular consequence: missense variant.
Genome position (GRCh38, 1-based): chr14:67,805,251, G>C on the plus strand (C>G on the coding strand, the complement: ZFYVE26 is on the minus strand). VCF-style: chr14-67805251-G-C. GRCh37 (hg19) VCF-style: chr14-68271968-G-C.
Other names: c.1237C>G (NM_015346.3); short protein forms L413V.
Identifiers: ClinVar variation 2041636 (VCV002041636.2), dbSNP rs1354295897, ClinGen allele CA390177097.
Genomic context (GRCh38, chr14:67,805,251, plus strand): 5'-CAGGCGCTGACTGCACAGGGCCATACCTGCTCTGCTGTATGCACCACTCCAGGACCTCCA[G>C]GTGAGCCCACAACCCATCACAGGCATCCCTGAGGAGCTCATCACAGCCTGGGCCCTATGT-3'
Protein context (NP_056161.2, residues 403-423): RDACDGLWAH[Leu413Val]EVLEWCIQQS

ClinVar aggregate classification (germline): Uncertain significance. Review status: criteria provided, multiple submitters, no conflicts (2 of 4 stars). 2 submissions from 2 submitters: Uncertain significance (2). Last evaluated 2025-04-03.

Conditions:
Spastic paraplegia. Identifiers: MedGen C0037772, HP:0001258.
Inborn genetic diseases. Identifiers: MedGen C0950123, MeSH D030342.

Allele frequency attached by ClinVar (database versions not stated): gnomAD exomes 0.00001; TOPMed below 0.00001.
gnomAD v4.1: 3 of 1,614,080 alleles (0.00019%); highest among the groups gnomAD compares: Non-Finnish European, 0.00025%; no homozygotes.

Submissions (2):

Ambry Genetics
Classification: Uncertain significance for Inborn genetic diseases. Last evaluated: 2025-04-03. Review status: criteria provided, single submitter. Criteria: Ambry Variant Classification Scheme 2023. Collection method: clinical testing. Allele origin: germline.

Labcorp Genetics (formerly Invitae), Labcorp
Classification: Uncertain significance for Spastic paraplegia. Last evaluated: 2021-09-17. Review status: criteria provided, single submitter. Criteria: Invitae Variant Classification Sherloc (09022015). Collection method: clinical testing. Allele origin: germline.
Comment: This sequence change replaces leucine with valine at codon 413 of the ZFYVE26 protein (p.Leu413Val). The leucine residue is moderately conserved and there is a small physicochemical difference between leucine and valine. This variant is not present in population databases (ExAC no frequency). This variant has not been reported in the literature in individuals with ZFYVE26-related conditions. Algorithms developed to predict the effect of missense changes on protein structure and function output the following: SIFT: "Tolerated"; PolyPhen-2: "Benign"; Align-GVGD: "Class C0". The valine amino acid residue is found in multiple mammalian species, suggesting that this missense change does not adversely affect protein function. These predictions have not been confirmed by published functional studies and their clinical significance is uncertain. In summary, the available evidence is currently insufficient to determine the role of this variant in disease. Therefore, it has been classified as a Variant of Uncertain Significance.